The following is an entry in ClinVar:

ClinVar aggregate classification (germline): Uncertain significance (1 of 4 stars; one submission).

Allele frequency attached by ClinVar (database versions not stated): gnomAD 0.00001; gnomAD exomes 0.00001; TOPMed 0.00001; ExAC 0.00002.
gnomAD v4.1: 12 of 1,614,068 alleles (0.00074%); highest among the groups gnomAD compares: Admixed American, 0.017%; no homozygotes.

Submission:

Labcorp Genetics (formerly Invitae), Labcorp
Classification: Uncertain significance. Last evaluated: 2022-09-07. Review status: criteria provided, single submitter. Criteria: Invitae Variant Classification Sherloc (09022015). Collection method: clinical testing. Allele origin: germline.
Comment: This sequence change replaces leucine, which is neutral and non-polar, with phenylalanine, which is neutral and non-polar, at codon 121 of the ELOVL5 protein (p.Leu121Phe). In summary, the available evidence is currently insufficient to determine the role of this variant in disease. Therefore, it has been classified as a Variant of Uncertain Significance. Algorithms developed to predict the effect of missense changes on protein structure and function are either unavailable or do not agree on the potential impact of this missense change (SIFT: "Tolerated"; PolyPhen-2: "Probably Damaging"; Align-GVGD: "Class C0"). This variant has not been reported in the literature in individuals affected with ELOVL5-related conditions. This variant is present in population databases (rs771753121, gnomAD 0.02%).

NM_021814.5(ELOVL5):c.361C>T (p.Leu121Phe)

Gene: ELOVL5 (ELOVL fatty acid elongase 5; minus strand). Cytogenetic location: 6p12.1.
Variant type: single nucleotide variant.
Coding change: c.361C>T on transcript NM_021814.5 (MANE Select); coding-DNA position 361, C replaced by T.
Protein change: p.Leu121Phe; replaces leucine 121 with phenylalanine.
Molecular consequence: missense variant.
Genome position (GRCh38, 1-based): chr6:53,275,225, G>A on the plus strand (C>T on the coding strand, the complement: ELOVL5 is on the minus strand). VCF-style: chr6-53275225-G-A. GRCh37 (hg19) VCF-style: chr6-53140023-G-A.
Other names: c.442C>T, p.Leu148Phe (NM_001242828.2); c.361C>T, p.Leu121Phe (NM_001242830.2, NM_001301856.2); short protein forms L121F, L148F.
Identifiers: ClinVar variation 1899430 (VCV001899430.5), dbSNP rs771753121, ClinGen allele CA3859732.
Genomic context (GRCh38, chr6:53,275,225, plus strand): 5'-CCGTGATCTGGTGGTTGTTCTTGCGCAGGATGAAGAAGAAAGTGTCCATAAATTCTATGA[G>A]TTTGGAGAAGTAGTACCACCAGAGGACACGGATAATCTAAGAGGAAAGGGTCAAAGATTT-3'
Protein context (NP_068586.1, residues 111-131): RVLWWYYFSK[Leu121Phe]IEFMDTFFFI